The following is an entry in ClinVar:

ClinVar aggregate classification (germline): Uncertain significance. Review status: criteria provided, multiple submitters, no conflicts (2 of 4 stars). 4 submissions from 4 submitters: Uncertain significance (4). Last evaluated 2025-12-16.

Conditions:
Dilated cardiomyopathy 1HH (CMD1HH). Identifiers: Orphanet 154, MedGen C3151293, MONDO:0013479, OMIM 613881.
Myofibrillar myopathy 6. Identifiers: Orphanet 199340, MedGen C2751831, MONDO:0013061, OMIM 612954.

Allele frequency attached by ClinVar (database versions not stated): gnomAD 0.00001.
gnomAD v4.1: 11 of 1,614,054 alleles (0.00068%); highest among the groups gnomAD compares: Middle Eastern, 0.016%; no homozygotes.

Submissions (4):

Labcorp Genetics (formerly Invitae), Labcorp
Classification: Uncertain significance for Dilated cardiomyopathy 1HH; Myofibrillar myopathy 6. Last evaluated: 2025-12-16. Review status: criteria provided, single submitter. Criteria: Invitae Variant Classification Sherloc (09022015). Collection method: clinical testing. Allele origin: germline.
Comment: This sequence change replaces proline, which is neutral and non-polar, with arginine, which is basic and polar, at codon 367 of the BAG3 protein (p.Pro367Arg). This variant is present in population databases (rs786205347, gnomAD 0.007%). This variant has not been reported in the literature in individuals affected with BAG3-related conditions. ClinVar contains an entry for this variant (Variation ID: 191610). Invitae Evidence Modeling of protein sequence and biophysical properties (such as structural, functional, and spatial information, amino acid conservation, physicochemical variation, residue mobility, and thermodynamic stability) has been performed for this missense variant. However, the output from this modeling did not meet the statistical confidence thresholds required to predict the impact of this variant on BAG3 protein function. In summary, the available evidence is currently insufficient to determine the role of this variant in disease. Therefore, it has been classified as a Variant of Uncertain Significance.

Fulgent Genetics
Classification: Uncertain significance for Myofibrillar myopathy 6; Dilated cardiomyopathy 1HH. Last evaluated: 2021-11-16. Review status: criteria provided, single submitter. Criteria: ACMG Guidelines, 2015. Collection method: clinical testing. Allele origin: unknown.

GeneDx
Classification: Uncertain significance. Last evaluated: 2017-02-08. Review status: criteria provided, single submitter. Criteria: GeneDx Variant Classification (06012015). Collection method: clinical testing. Allele origin: germline. Affected: yes.
Comment: A variant of uncertain significance has been identified in the BAG3 gene. The P367R variant has not been published as pathogenic or been reported as benign to our knowledge. This variant is not observed in large population cohorts (Lek et al., 2016; 1000 Genomes Consortium et al., 2015; Exome Variant Server). The P367R variant is a non-conservative amino acid substitution, which is likely to impact secondary protein structure as these residues differ in polarity, charge, size and/or other properties. In silico analysis predicts this variant is probably damaging to the protein structure/function. However, to our knowledge no studies have been performed to determine the functional effect of the P367R variant. Furthermore, this substitution occurs at a position that is not conserved across species.

Biesecker Lab/Clinical Genomics Section, National Institutes of Health
Classification: Uncertain significance. Last evaluated: 2013-06-24. Review status: criteria provided, single submitter. Criteria: Ng et al. (Circ Cardiovasc Genet. 2013). Collection method: research. Allele origin: unknown. Observed: 1 variant allele. Study: ClinSeq.
Comment: The study set was not selected for affection status in relation to any cancer. Pathogenicity categories were based on literature curation. See Pubmed ID:23861362 for details.

Medical sequencing

NM_004281.4(BAG3):c.1100C>G (p.Pro367Arg)

Gene: BAG3 (BAG cochaperone 3; plus strand). Cytogenetic location: 10q26.11.
Variant type: single nucleotide variant.
Coding change: c.1100C>G on transcript NM_004281.4 (MANE Select); coding-DNA position 1100, C replaced by G.
Protein change: p.Pro367Arg; replaces proline 367 with arginine.
Molecular consequence: missense variant.
Genome position (GRCh38, 1-based): chr10:119,676,654, C>G. VCF-style: chr10-119676654-C-G. GRCh37 (hg19) VCF-style: chr10-121436166-C-G.
Other names: short protein forms P367R.
Identifiers: ClinVar variation 191610 (VCV000191610.12), dbSNP rs786205347, ClinGen allele CA237055.